The following is an entry in ClinVar:

ClinVar aggregate classification (germline): Uncertain significance. Review status: criteria provided, multiple submitters, no conflicts (2 of 4 stars). 2 submissions from 2 submitters: Uncertain significance (2). Last evaluated 2023-10-17.

gnomAD v4.1: 4 of 1,614,060 alleles (0.00025%); highest among the groups gnomAD compares: Non-Finnish European, 0.00034%; no homozygotes.

Submissions (2):

Ambry Genetics
Classification: Uncertain significance. Last evaluated: 2023-10-17. Review status: criteria provided, single submitter. Criteria: Ambry Variant Classification Scheme 2023. Collection method: clinical testing. Allele origin: germline.

Labcorp Genetics (formerly Invitae), Labcorp
Classification: Uncertain significance. Last evaluated: 2023-05-04. Review status: criteria provided, single submitter. Criteria: Invitae Variant Classification Sherloc (09022015). Collection method: clinical testing. Allele origin: germline.
Comment: In summary, the available evidence is currently insufficient to determine the role of this variant in disease. Therefore, it has been classified as a Variant of Uncertain Significance. An algorithm developed to predict the effect of missense changes on protein structure and function (PolyPhen-2) suggests that this variant is likely to be disruptive. This variant has not been reported in the literature in individuals affected with SORL1-related conditions. This variant is not present in population databases (gnomAD no frequency). This sequence change replaces histidine, which is basic and polar, with tyrosine, which is neutral and polar, at codon 545 of the SORL1 protein (p.His545Tyr).

NM_003105.6(SORL1):c.1633C>T (p.His545Tyr)

Gene: SORL1 (sortilin related receptor 1; plus strand). Cytogenetic location: 11q24.1.
Variant type: single nucleotide variant.
Coding change: c.1633C>T on transcript NM_003105.6 (MANE Select); coding-DNA position 1633, C replaced by T.
Protein change: p.His545Tyr; replaces histidine 545 with tyrosine.
Molecular consequence: missense variant.
Genome position (GRCh38, 1-based): chr11:121,532,500, C>T. VCF-style: chr11-121532500-C-T. GRCh37 (hg19) VCF-style: chr11-121403209-C-T.
Other names: c.1633C>T (NM_003105.5); short protein forms H545Y.
Identifiers: ClinVar variation 2798174 (VCV002798174.4), dbSNP rs753520507, ClinGen allele CA229872120.
Genomic context (GRCh38, chr11:121,532,500, plus strand): 5'-TCACCATGGATTTTTCCTCTTCAGGCACTTCCTGGACCTCACTACTACACATGGGGAGAC[C>T]ACGGCGGAATCATCACGGCCATTGCCCAGGGCATGGAAACCAACGAGCTAAAGTAAGTGT-3'
Protein context (NP_003096.2, residues 535-555): PGPHYYTWGD[His545Tyr]GGIITAIAQG